The following is an entry in ClinVar:

ClinVar aggregate classification (germline): Uncertain significance (1 of 4 stars; one submission).

Submission:

Labcorp Genetics (formerly Invitae), Labcorp
Classification: Uncertain significance. Last evaluated: 2023-01-15. Review status: criteria provided, single submitter. Criteria: Invitae Variant Classification Sherloc (09022015). Collection method: clinical testing. Allele origin: germline.
Comment: In summary, the available evidence is currently insufficient to determine the role of this variant in disease. Therefore, it has been classified as a Variant of Uncertain Significance. Algorithms developed to predict the effect of missense changes on protein structure and function (SIFT, PolyPhen-2, Align-GVGD) all suggest that this variant is likely to be tolerated. This variant has not been reported in the literature in individuals affected with SLCO5A1-related conditions. This variant is not present in population databases (gnomAD no frequency). This sequence change replaces lysine, which is basic and polar, with arginine, which is basic and polar, at codon 383 of the SLCO5A1 protein (p.Lys383Arg).

NM_030958.3(SLCO5A1):c.1148A>G (p.Lys383Arg)

Gene: SLCO5A1 (solute carrier organic anion transporter family member 5A1; minus strand). Cytogenetic location: 8q13.3.
Variant type: single nucleotide variant.
Coding change: c.1148A>G on transcript NM_030958.3 (MANE Select); coding-DNA position 1148, A replaced by G.
Protein change: p.Lys383Arg; replaces lysine 383 with arginine.
Molecular consequence: missense variant.
Genome position (GRCh38, 1-based): chr8:69,755,534, T>C on the plus strand (A>G on the coding strand, the complement: SLCO5A1 is on the minus strand). VCF-style: chr8-69755534-T-C. GRCh37 (hg19) VCF-style: chr8-70667769-T-C.
Other names: c.1148A>G, p.Lys383Arg (NM_001146008.2, NM_001146009.1); short protein forms K383R.
Identifiers: ClinVar variation 2828780 (VCV002828780.3), dbSNP rs2487434972, ClinGen allele CA371235622.